The following is an entry in ClinVar:

ClinVar aggregate classification (germline): Benign/Likely benign. Review status: criteria provided, multiple submitters, no conflicts (2 of 4 stars). 2 submissions from 2 submitters: Benign (1); Likely benign (1). Last evaluated 2026-01-13.

Conditions:
Kabuki syndrome. Also called: Kabuki make-up syndrome; NIIKAWA-KUROKI SYNDROME. Identifiers: Orphanet 2322, MedGen C0796004, MONDO:0016512.
KMT2D-related disorder. Also called: KMT2D-Related Disorders.

Allele frequency attached by ClinVar (database versions not stated): TOPMed 0.00003; gnomAD exomes 0.00004; ExAC 0.00006; gnomAD 0.00001.
gnomAD v4.1: 26 of 1,608,398 alleles (0.0016%); highest among the groups gnomAD compares: Admixed American, 0.012%; no homozygotes.

Submissions (2):

Labcorp Genetics (formerly Invitae), Labcorp
Classification: Benign for Kabuki syndrome. Last evaluated: 2026-01-13. Review status: criteria provided, single submitter. Criteria: Invitae Variant Classification Sherloc (09022015). Collection method: clinical testing. Allele origin: germline.

PreventionGenetics, part of Exact Sciences
Classification: Likely benign for KMT2D-related condition. Last evaluated: 2025-08-04. Review status: criteria provided, single submitter. Criteria: ACMG Guidelines, 2015. Collection method: clinical testing. Allele origin: germline.
Comment: This variant is classified as likely benign based on ACMG/AMP sequence variant interpretation guidelines (Richards et al. 2015 PMID: 25741868, with internal and published modifications).

NM_003482.4(KMT2D):c.9970G>C (p.Gly3324Arg)

Gene: KMT2D (lysine methyltransferase 2D; minus strand). Cytogenetic location: 12q13.12.
Variant type: single nucleotide variant.
Coding change: c.9970G>C on transcript NM_003482.4 (MANE Select); coding-DNA position 9970, G replaced by C.
Protein change: p.Gly3324Arg; replaces glycine 3324 with arginine.
Molecular consequence: missense variant.
Genome position (GRCh38, 1-based): chr12:49,037,386, C>G on the plus strand (G>C on the coding strand, the complement: KMT2D is on the minus strand). VCF-style: chr12-49037386-C-G. GRCh37 (hg19) VCF-style: chr12-49431169-C-G.
Other names: short protein forms G3324R.
Identifiers: ClinVar variation 855273 (VCV000855273.8), dbSNP rs765543006, ClinGen allele CA6546629.
Genomic context (GRCh38, chr12:49,037,386, plus strand): 5'-CCAGGCGTTGCTGGAGGGCATGAGCTGGTGGCTGGGTGGGCATCAGTGGCTGGGGCAAAC[C>G]TGGCTGTCGGGCACCTGCAAGACCCAGGGAAAGCTGCTGTTGGGACCCAGCCAAACTGGG-3'
Protein context (NP_003473.3, residues 3314-3334): SLGLAGARQP[Gly3324Arg]LPQPLMPTQP